The following is an entry in ClinVar:

NM_001844.5(COL2A1):c.3490-15CT[3]

Gene: COL2A1 (collagen type II alpha 1 chain; minus strand). Cytogenetic location: 12q13.11.
Variant type: Microsatellite.
Coding change: c.3490-15CT[3] on transcript NM_001844.5 (MANE Select); three copies in a row of the 2-base unit CT starting at c.3490-15; the reference has five copies in a row; two copies, 4 bases deleted.
Molecular consequence: intron variant.
Genome position (GRCh38, 1-based): chr12:47,976,076-47,976,079, AGAG deleted on the plus strand (CTCT on the coding strand, the reverse complement: COL2A1 is on the minus strand); deleting any 4 consecutive bases within chr12:47,976,076-47,976,085 gives the same sequence; the position shown is the placement nearest the transcript's 3' end. VCF-style (leftmost placement, unchanged base first): chr12-47976075-AAGAG-A. GRCh37 (hg19) VCF-style: chr12-48369858-AAGAG-A.
Other names: c.3490-9_3490-6delCTCT (NM_001844.4); c.3283-15CT[3] (NM_033150.3).
Identifiers: ClinVar variation 2018118 (VCV002018118.6), dbSNP rs780110289, ClinGen allele CA947351316.

ClinVar aggregate classification (germline): Conflicting classifications of pathogenicity. Review status: criteria provided, conflicting classifications (1 of 4 stars). 3 submissions from 3 submitters: Uncertain significance (1); Likely benign (2). Last evaluated 2025-09-29.

Conditions:
COL2A1-related disorder. Also called: COL2A1-related condition; COL2A1-related disorders.

Submissions (3):

PreventionGenetics, part of Exact Sciences
Classification: Likely benign for COL2A1-related condition. Last evaluated: 2025-09-29. Review status: criteria provided, single submitter. Criteria: ACMG Guidelines, 2015. Collection method: clinical testing. Allele origin: germline.
Comment: This variant is classified as likely benign based on ACMG/AMP sequence variant interpretation guidelines (Richards et al. 2015 PMID: 25741868, with internal and published modifications).

Labcorp Genetics (formerly Invitae), Labcorp
Classification: Likely benign. Last evaluated: 2024-10-23. Review status: criteria provided, single submitter. Criteria: Invitae Variant Classification Sherloc (09022015). Collection method: clinical testing. Allele origin: germline.

Blueprint Genetics
Classification: Uncertain significance. Last evaluated: 2022-09-05. Review status: criteria provided, single submitter. Criteria: ACMG Guidelines, 2015. Collection method: clinical testing. Allele origin: germline.